The following is an entry in ClinVar:

NM_001035.3(RYR2):c.13563+2T>C

Gene: RYR2 (ryanodine receptor 2; plus strand). Cytogenetic location: 1q43.
Variant type: single nucleotide variant.
Coding change: c.13563+2T>C on transcript NM_001035.3 (MANE Select); the canonical splice donor site of the intron after coding-DNA position 13563, T replaced by C.
Molecular consequence: splice donor variant.
Genome position (GRCh38, 1-based): chr1:237,791,517, T>C. VCF-style: chr1-237791517-T-C. GRCh37 (hg19) VCF-style: chr1-237954817-T-C.
Identifiers: ClinVar variation 2774412 (VCV002774412.2), dbSNP rs2527909175, ClinGen allele CA345417247.
Genomic context (GRCh38, chr1:237,791,517, plus strand): 5'-TGAGAATGTTAGCCTTATTTGTCGCATTTGCTATCAATTTCATCTTGCTCTTTTATAAGG[T>C]ACGTACATCTCACTGTTTTAATTACTGGTATAAAACTCCAAATAGAAATGAATGTAAAGA-3'

ClinVar aggregate classification (germline): Uncertain significance (1 of 4 stars; one submission).

Conditions:
Cardiomyopathy (CMYO). Also called: Cardiomyopathies. Identifiers: Orphanet 167848, MedGen C0878544, MONDO:0004994, HP:0001638. Inheritance: Various modes of inheritance.

Submission:

Color Diagnostics, LLC DBA Color Health
Classification: Uncertain significance for Cardiomyopathy. Last evaluated: 2022-03-02. Review status: criteria provided, single submitter. Criteria: ACMG Guidelines, 2015. Collection method: clinical testing. Allele origin: germline.
Comment: This variant alters the intron 93 canonical splice site of the RYR2 gene. Splice prediction tools suggest that this variant may disrupt RNA splicing. To our knowledge, functional studies have not been reported for this variant. This variant has not been reported in individuals affected with cardiovascular disorders in the literature. This variant has not been identified in the general population by the Genome Aggregation Database (gnomAD). The role of loss-of-function RYR2 truncation and splice variants in autosomal dominant cardiovascular disorders is not clearly established. The available evidence is insufficient to determine the role of this variant in disease conclusively. Therefore, this variant is classified as a Variant of Uncertain Significance.